The following is an entry in ClinVar:

ClinVar aggregate classification (germline): Uncertain significance (1 of 4 stars; one submission).

Allele frequency attached by ClinVar (database versions not stated): ExAC 0.00001; gnomAD 0.00001; TOPMed 0.00003; ESP Exome Variant Server 0.00008.

Submission:

Ambry Genetics
Classification: Uncertain significance. Last evaluated: 2023-09-07. Review status: criteria provided, single submitter. Criteria: Ambry Variant Classification Scheme 2023. Collection method: clinical testing. Allele origin: germline.
Comment: The c.4686+5G>A intronic variant results from a G to A substitution 5 nucleotides after coding exon 41 in the KIF1B gene. This nucleotide position is well conserved in available vertebrate species. In silico splice site analysis for this alteration is inconclusive. The evidence for this gene-disease relationship is limited; therefore, the clinical significance of this alteration is unclear.

NM_001365951.3(KIF1B):c.4824+5G>A

Gene: KIF1B (kinesin family member 1B; plus strand). Cytogenetic location: 1p36.22.
Variant type: single nucleotide variant.
Coding change: c.4824+5G>A on transcript NM_001365951.3 (MANE Select); 5 bases into the intron after coding-DNA position 4824, G replaced by A.
Molecular consequence: intron variant.
Genome position (GRCh38, 1-based): chr1:10,368,543, G>A. VCF-style: chr1-10368543-G-A. GRCh37 (hg19) VCF-style: chr1-10428601-G-A.
Other names: c.4686+5G>A (NM_015074.3); c.4824+5G>A (NM_001365952.1).
Identifiers: ClinVar variation 2624999 (VCV002624999.2), dbSNP rs367585053, ClinGen allele CA582185.